The following is an entry in ClinVar:

NM_198252.3(GSN):c.1295G>A (p.Gly432Asp)

Gene: GSN (gelsolin; plus strand). Cytogenetic location: 9q33.2.
Variant type: single nucleotide variant.
Coding change: c.1295G>A on transcript NM_198252.3 (MANE Select); coding-DNA position 1295, G replaced by A.
Protein change: p.Gly432Asp; replaces glycine 432 with aspartic acid.
Molecular consequence: missense variant.
Genome position (GRCh38, 1-based): chr9:121,321,371, G>A. VCF-style: chr9-121321371-G-A. GRCh37 (hg19) VCF-style: chr9-124083649-G-A.
Other names: c.1448G>A, p.Gly483Asp (NM_000177.5); c.1295G>A, p.Gly432Asp (NM_001127662.2, NM_001127664.2, NM_001127665.2 and 10 more transcripts); c.1403G>A, p.Gly468Asp (NM_001127663.2); c.1328G>A, p.Gly443Asp (NM_001127666.2, NM_001127667.2, NM_001353063.2 and 13 more transcripts); c.1346G>A, p.Gly449Asp (NM_001258029.2); c.1319G>A, p.Gly440Asp (NM_001258030.2); c.641G>A, p.Gly214Asp (NM_001353078.2); c.1367G>A, p.Gly456Asp (NM_001353076.2); short protein forms G432D, G443D, G214D, G456D, G440D, G468D, G449D, G483D.
Identifiers: ClinVar variation 2968686 (VCV002968686.3), dbSNP rs148309276, ClinGen allele CA5221205.

ClinVar aggregate classification (germline): Uncertain significance (1 of 4 stars; one submission).

Allele frequency attached by ClinVar (database versions not stated): gnomAD 0.00001; gnomAD exomes 0.00001; ExAC 0.00002; ESP Exome Variant Server 0.00008.
gnomAD v4.1: 6 of 1,614,018 alleles (0.00037%); highest among the groups gnomAD compares: African/African-American, 0.0067%; no homozygotes.

Submission:

Labcorp Genetics (formerly Invitae), Labcorp
Classification: Uncertain significance. Last evaluated: 2024-07-29. Review status: criteria provided, single submitter. Criteria: Invitae Variant Classification Sherloc (09022015). Collection method: clinical testing. Allele origin: germline.
Comment: This sequence change replaces glycine, which is neutral and non-polar, with aspartic acid, which is acidic and polar, at codon 483 of the GSN protein (p.Gly483Asp). This variant is present in population databases (rs148309276, gnomAD 0.008%). This variant has not been reported in the literature in individuals affected with GSN-related conditions. An algorithm developed to predict the effect of missense changes on protein structure and function (PolyPhen-2) suggests that this variant is likely to be tolerated. In summary, the available evidence is currently insufficient to determine the role of this variant in disease. Therefore, it has been classified as a Variant of Uncertain Significance.